The following is an entry in ClinVar:

ClinVar aggregate classification (germline): Pathogenic. Review status: criteria provided, multiple submitters, no conflicts (2 of 4 stars). 2 submissions from 2 submitters: Pathogenic (2). Last evaluated 2024-10-18.

Conditions:
COL11A2-related disorder. Also called: COL11A2-related condition; COL11A2-related disorders.

gnomAD v4.1: 4 of 1,613,328 alleles (0.00025%); highest among the groups gnomAD compares: South Asian, 0.0011%; no homozygotes.

Submissions (2):

PreventionGenetics, part of Exact Sciences
Classification: Pathogenic for COL11A2-related condition. Last evaluated: 2024-10-18. Review status: criteria provided, single submitter. Criteria: ACMG Guidelines, 2015. Collection method: clinical testing. Allele origin: germline.
Comment: The COL11A2 c.181C>T variant is predicted to result in premature protein termination (p.Arg61*). To our knowledge, this variant has not been reported in the literature, or a large population database (gnomAD), indicating this variant is rare. Nonsense variants in COL11A2 are expected to be pathogenic. This variant is interpreted as pathogenic.

Labcorp Genetics (formerly Invitae), Labcorp
Classification: Pathogenic. Last evaluated: 2023-04-20. Review status: criteria provided, single submitter. Criteria: Invitae Variant Classification Sherloc (09022015). Collection method: clinical testing. Allele origin: germline.
Comment: For these reasons, this variant has been classified as Pathogenic. This variant has not been reported in the literature in individuals affected with COL11A2-related conditions. This variant is not present in population databases (gnomAD no frequency). This sequence change creates a premature translational stop signal (p.Arg61*) in the COL11A2 gene. It is expected to result in an absent or disrupted protein product. Loss-of-function variants in COL11A2 are known to be pathogenic (PMID: 10677296, 21204229).

Literature cited by the submitters: PubMed 10677296 (cited by Labcorp Genetics (formerly Invitae), Labcorp); PubMed 21204229 (cited by Labcorp Genetics (formerly Invitae), Labcorp).

NM_080680.3(COL11A2):c.181C>T (p.Arg61Ter)

Gene: COL11A2 (collagen type XI alpha 2 chain; minus strand). Cytogenetic location: 6p21.32.
Variant type: single nucleotide variant.
Coding change: c.181C>T on transcript NM_080680.3 (MANE Select); coding-DNA position 181, C replaced by T.
Protein change: p.Arg61Ter; replaces arginine 61 with a stop codon.
Molecular consequence: nonsense. On other transcripts: 5 prime UTR variant (3), non-coding transcript variant (1).
Genome position (GRCh38, 1-based): chr6:33,189,371, G>A on the plus strand (C>T on the coding strand, the complement: COL11A2 is on the minus strand). VCF-style: chr6-33189371-G-A. GRCh37 (hg19) VCF-style: chr6-33157148-G-A.
Other names: c.181C>T (NM_080680.2); c.181C>T, p.Arg61Ter (NM_001163771.2, NM_001424108.1, NM_080679.3 and 1 more transcripts); c.-666C>T (NM_001424109.1, NM_001424110.1, NM_001424111.1); short protein forms R61*.
Identifiers: ClinVar variation 2738317 (VCV002738317.4), dbSNP rs1455937570, ClinGen allele CA363613181.
Genomic context (GRCh38, chr6:33,189,371, plus strand): 5'-CACCCATACCTGGGAAAAGCTGGCGAGTGGGTGCACTGAGCTGGGCAGGTCGTGCCACTC[G>A]GTAGGCCACATCAGCTGGACAGATGCCTTTCGCTCTCCGGACACCATCAGGGAGGGAGGG-3'